The following is an entry in ClinVar:

NM_001399.5(EDA):c.833C>G (p.Thr278Ser)

Gene: EDA (ectodysplasin A; plus strand). Cytogenetic location: Xq13.1.
Variant type: single nucleotide variant.
Coding change: c.833C>G on transcript NM_001399.5 (MANE Select); coding-DNA position 833, C replaced by G.
Protein change: p.Thr278Ser; replaces threonine 278 with serine.
Molecular consequence: missense variant.
Genome position (GRCh38, 1-based): chrX:70,033,437, C>G. VCF-style: chrX-70033437-C-G. GRCh37 (hg19) VCF-style: chrX-69253287-C-G.
Other names: c.833C>G (NM_001399.4); c.833C>G, p.Thr278Ser (NM_001005609.2); c.824C>G, p.Thr275Ser (NM_001005612.3); short protein forms T275S, T278S.
Identifiers: ClinVar variation 1169716 (VCV001169716.10), dbSNP rs375753764, ClinGen allele CA10439015.
Genomic context (GRCh38, chrX:70,033,437, plus strand): 5'-CTGCCCTTCTCTCATACTGAGATCTTTCAGGTGGAGTGCTCAATGACTGGTCTCGCATCA[C>G]TATGAACCCCAAGGTGTTTAAGCTACATCCCCGCAGCGGGGAGCTGGAGGTACTGGTGGA-3'
Protein context (NP_001390.1, residues 268-288): GGVLNDWSRI[Thr278Ser]MNPKVFKLHP

ClinVar aggregate classification (germline): Benign. Review status: criteria provided, single submitter (1 of 4 stars). 2 submissions from 2 submitters: Benign (1). 1 of the submissions does not count toward it. Last evaluated 2024-01-14.

Conditions:
EDA-related disorder. Also called: EDA-related disorders; EDA-related condition.
Hypohidrotic X-linked ectodermal dysplasia (XHED). Also called: ECTODERMAL DYSPLASIA, HYPOHIDROTIC, 1; CST SYNDROME; ECTODERMAL DYSPLASIA 1; Ectodermal Dysplasia 1, Anhidrotic; Christ-Siemans-Touraine syndrome; Anhidrotic ectodermal dysplasia X-linked. Identifiers: Orphanet 181, Orphanet 238468, MedGen C0162359, MONDO:0010585, OMIM 305100.

Allele frequency attached by ClinVar (database versions not stated): gnomAD exomes 0.00001 and 0.00003; ExAC 0.00002; ESP Exome Variant Server 0.00009; gnomAD 0.00015 and 0.00016; TOPMed 0.00017.
gnomAD v4.1: 27 of 1,210,491 alleles (0.0022%); highest among the groups gnomAD compares: African/African-American, 0.044%; no homozygotes.

Submissions (2):

Labcorp Genetics (formerly Invitae), Labcorp
Classification: Benign for Hypohidrotic X-linked ectodermal dysplasia. Last evaluated: 2024-01-14. Review status: criteria provided, single submitter. Criteria: Invitae Variant Classification Sherloc (09022015). Collection method: clinical testing. Allele origin: germline.

PreventionGenetics, part of Exact Sciences
Classification: Uncertain significance for EDA-related condition. Last evaluated: 2024-03-06. Review status: no assertion criteria provided. Collection method: clinical testing. Allele origin: germline. Not counted in ClinVar's aggregate classification.
Comment: The EDA c.833C>G variant is predicted to result in the amino acid substitution p.Thr278Ser. To our knowledge, this variant has not been reported in the literature. This variant is reported in 0.047% of alleles in individuals of African descent in gnomAD. At this time, the clinical significance of this variant is uncertain due to the absence of conclusive functional and genetic evidence.